The following is an entry in ClinVar:

NM_001029883.3(PCARE):c.581G>T (p.Ser194Ile)

Gene: PCARE (photoreceptor cilium actin regulator; minus strand). Cytogenetic location: 2p23.2.
Variant type: single nucleotide variant.
Coding change: c.581G>T on transcript NM_001029883.3 (MANE Select); coding-DNA position 581, G replaced by T.
Protein change: p.Ser194Ile; replaces serine 194 with isoleucine.
Molecular consequence: missense variant.
Genome position (GRCh38, 1-based): chr2:29,073,681, C>A on the plus strand (G>T on the coding strand, the complement: PCARE is on the minus strand). VCF-style: chr2-29073681-C-A. GRCh37 (hg19) VCF-style: chr2-29296547-C-A.
Other names: short protein forms S194I.
Identifiers: ClinVar variation 969887 (VCV000969887.9), dbSNP rs753979925, ClinGen allele CA346481987.

ClinVar aggregate classification (germline): Uncertain significance (1 of 4 stars; one submission).

Submission:

Labcorp Genetics (formerly Invitae), Labcorp
Classification: Uncertain significance. Last evaluated: 2019-10-09. Review status: criteria provided, single submitter. Criteria: Invitae Variant Classification Sherloc (09022015). Collection method: clinical testing. Allele origin: germline.
Comment: This sequence change replaces serine with isoleucine at codon 194 of the PCARE protein (p.Ser194Ile). The serine residue is moderately conserved and there is a large physicochemical difference between serine and isoleucine. This variant is not present in population databases (ExAC no frequency). This variant has not been reported in the literature in individuals with PCARE-related conditions. Algorithms developed to predict the effect of missense changes on protein structure and function are either unavailable or do not agree on the potential impact of this missense change (SIFT: "Deleterious"; PolyPhen-2: "Possibly Damaging"; Align-GVGD: "Class C15"). In summary, the available evidence is currently insufficient to determine the role of this variant in disease. Therefore, it has been classified as a Variant of Uncertain Significance.